The following is an entry in ClinVar:

NM_001605.3(AARS1):c.521A>G (p.Asn174Ser)

Gene: AARS1 (alanyl-tRNA synthetase 1; minus strand). Cytogenetic location: 16q22.1.
Variant type: single nucleotide variant.
Coding change: c.521A>G on transcript NM_001605.3 (MANE Select); coding-DNA position 521, A replaced by G.
Protein change: p.Asn174Ser; replaces asparagine 174 with serine.
Molecular consequence: missense variant.
Genome position (GRCh38, 1-based): chr16:70,271,931, T>C on the plus strand (A>G on the coding strand, the complement: AARS1 is on the minus strand). VCF-style: chr16-70271931-T-C. GRCh37 (hg19) VCF-style: chr16-70305834-T-C.
Other names: short protein forms N174S.
Identifiers: ClinVar variation 870814 (VCV000870814.43), dbSNP rs1567608496, ClinGen allele CA396566974.

ClinVar aggregate classification (germline): Uncertain significance. Review status: criteria provided, multiple submitters, no conflicts (2 of 4 stars). 2 submissions from 2 submitters: Uncertain significance (2). Last evaluated 2021-05-01.

Conditions:
Inborn genetic diseases. Identifiers: MedGen C0950123, MeSH D030342.

Allele frequency attached by ClinVar (database versions not stated): gnomAD exomes below 0.00001; TOPMed below 0.00001; gnomAD 0.00001.

Submissions (2):

CeGaT Center for Human Genetics Tuebingen
Classification: Uncertain significance. Last evaluated: 2021-05-01. Review status: criteria provided, single submitter. Criteria: CeGaT Center For Human Genetics Tuebingen Variant Classification Criteria Version 2. Collection method: clinical testing. Allele origin: germline. Affected: yes. Observed: 2 variant alleles.

Ambry Genetics
Classification: Uncertain significance for Inborn genetic diseases. Last evaluated: 2019-12-23. Review status: criteria provided, single submitter. Criteria: Ambry Variant Classification Scheme 2023. Collection method: clinical testing. Allele origin: germline.
Comment: The p.N174S variant (also known as c.521A>G), located in coding exon 4 of the AARS gene, results from an A to G substitution at nucleotide position 521. The asparagine at codon 174 is replaced by serine, an amino acid with highly similar properties. This amino acid position is highly conserved in available vertebrate species. In addition, the in silico prediction for this alteration is inconclusive. Since supporting evidence is limited at this time, the clinical significance of this alteration remains unclear.